The following is an entry in ClinVar:

ClinVar aggregate classification (germline): Uncertain significance. Review status: criteria provided, multiple submitters, no conflicts (2 of 4 stars). 2 submissions from 2 submitters: Uncertain significance (2). Last evaluated 2024-02-11.

Conditions:
Hereditary cancer-predisposing syndrome. Also called: Hereditary Cancer Syndrome; Neoplastic Syndromes, Hereditary; Tumor predisposition; Hereditary neoplastic syndrome. Identifiers: Orphanet 140162, MedGen C0027672, MeSH D009386, MONDO:0015356.
Multiple endocrine neoplasia, type 1 (MEN1). Also called: MEN I; WERMER SYNDROME; MEA I; Endocrine adenomatosis multiple; MEN 1. Identifiers: Orphanet 652, MedGen C0025267, MeSH D018761, MONDO:0007540, OMIM 131100.

Submissions (2):

Ambry Genetics
Classification: Uncertain significance for Hereditary cancer-predisposing syndrome. Last evaluated: 2024-02-11. Review status: criteria provided, single submitter. Criteria: Ambry Variant Classification Scheme 2023. Collection method: clinical testing. Allele origin: germline.
Comment: The p.G531S variant (also known as c.1591G>A), located in coding exon 9 of the MEN1 gene, results from a G to A substitution at nucleotide position 1591. The glycine at codon 531 is replaced by serine, an amino acid with similar properties. This amino acid position is conserved. In addition, the in silico prediction for this alteration is inconclusive. Based on the available evidence, the clinical significance of this alteration remains unclear.

Labcorp Genetics (formerly Invitae), Labcorp
Classification: Uncertain significance for Multiple endocrine neoplasia, type 1. Last evaluated: 2021-04-20. Review status: criteria provided, single submitter. Criteria: Invitae Variant Classification Sherloc (09022015). Collection method: clinical testing. Allele origin: germline.
Comment: This sequence change replaces glycine with serine at codon 531 of the MEN1 protein (p.Gly531Ser). The glycine residue is weakly conserved and there is a small physicochemical difference between glycine and serine. This variant is not present in population databases (ExAC no frequency). In summary, the available evidence is currently insufficient to determine the role of this variant in disease. Therefore, it has been classified as a Variant of Uncertain Significance. Advanced modeling of protein sequence and biophysical properties (such as structural, functional, and spatial information, amino acid conservation, physicochemical variation, residue mobility, and thermodynamic stability) performed at Invitae indicates that this missense variant is not expected to disrupt MEN1 protein function. This variant has not been reported in the literature in individuals with MEN1-related conditions.

NM_001370259.2(MEN1):c.1591G>A (p.Gly531Ser)

Gene: MEN1 (menin 1; minus strand). Cytogenetic location: 11q13.1.
Variant type: single nucleotide variant.
Coding change: c.1591G>A on transcript NM_001370259.2 (MANE Select); coding-DNA position 1591, G replaced by A.
Protein change: p.Gly531Ser; replaces glycine 531 with serine.
Molecular consequence: missense variant.
Genome position (GRCh38, 1-based): chr11:64,804,576, C>T on the plus strand (G>A on the coding strand, the complement: MEN1 is on the minus strand). VCF-style: chr11-64804576-C-T. GRCh37 (hg19) VCF-style: chr11-64572048-C-T.
Other names: c.1606G>A, p.Gly536Ser (NM_000244.4, NM_130800.3, NM_130801.3 and 3 more transcripts); c.1717G>A, p.Gly573Ser (NM_001370251.2); c.1591G>A, p.Gly531Ser (NM_001370260.2, NM_001370261.2, NM_130799.3); c.1486G>A, p.Gly496Ser (NM_001370262.2, NM_001370263.2); c.1591G>A (NM_130799.2); short protein forms G573S, G496S, G531S, G536S.
Identifiers: ClinVar variation 1346872 (VCV001346872.9), dbSNP rs1592631128, ClinGen allele CA381178254.